The following is an entry in ClinVar:

NM_001039348.3(EFEMP1):c.1386C>T (p.Ile462=)

Gene: EFEMP1 (EGF-like fibulin extracellular matrix protein 1; minus strand). Cytogenetic location: 2p16.1.
Variant type: single nucleotide variant.
Coding change: c.1386C>T on transcript NM_001039348.3 (MANE Select); coding-DNA position 1386, C replaced by T.
Protein change: p.Ile462=; no amino-acid change (isoleucine 462 retained).
Molecular consequence: synonymous variant.
Genome position (GRCh38, 1-based): chr2:55,867,169, G>A on the plus strand (C>T on the coding strand, the complement: EFEMP1 is on the minus strand). VCF-style: chr2-55867169-G-A. GRCh37 (hg19) VCF-style: chr2-56094304-G-A.
Other names: c.1386C>T, p.Ile462= (NM_001039349.3).
Identifiers: ClinVar variation 899333 (VCV000899333.12), dbSNP rs759287964, ClinGen allele CA1668687.
Genomic context (GRCh38, chr2:55,867,169, plus strand): 5'-TAACACAGAGCTTGTGCGGAAGGTCCCTATACTGCTGACTGTCAGCATCTCCAGGTCCAC[G>A]ATATGTTCTCTTGGTCCTGATAATGACTTCACGAGCACAAGCATTGCACTTACAGGACTT-3'
Protein context (NP_001034437.1, residues 452-472): VKSLSGPREH[Ile462=]VDLEMLTVSS

ClinVar aggregate classification (germline): Likely benign. Review status: criteria provided, multiple submitters, no conflicts (2 of 4 stars). 3 submissions from 3 submitters: Likely benign (3). Last evaluated 2024-11-19.

Conditions:
Doyne honeycomb retinal dystrophy (DHRD). Also called: MALATTIA LEVENTINESE; DRUSEN, RADIAL, AUTOSOMAL DOMINANT; DOYNE HONEYCOMB DEGENERATION OF RETINA. Identifiers: Orphanet 75376, MedGen C1832174, MONDO:0007471, OMIM 126600.

Allele frequency attached by ClinVar (database versions not stated): gnomAD 0.00001; ExAC 0.00002; gnomAD exomes 0.00002.
gnomAD v4.1: 39 of 1,613,876 alleles (0.0024%); highest among the groups gnomAD compares: Non-Finnish European, 0.0032%; no homozygotes.

Submissions (3):

Blueprint Genetics
Classification: Likely benign. Last evaluated: 2024-11-19. Review status: criteria provided, single submitter. Criteria: ACMG Guidelines, 2015. Collection method: clinical testing. Allele origin: germline.

Labcorp Genetics (formerly Invitae), Labcorp
Classification: Likely benign. Last evaluated: 2022-07-12. Review status: criteria provided, single submitter. Criteria: Invitae Variant Classification Sherloc (09022015). Collection method: clinical testing. Allele origin: germline.

Illumina Laboratory Services, Illumina
Classification: Likely benign for Doyne honeycomb retinal dystrophy. Last evaluated: 2018-01-13. Review status: criteria provided, single submitter. Criteria: ICSL Variant Classification Criteria 13 December 2019. Collection method: clinical testing. Allele origin: germline.
Comment: This variant was observed in the ICSL laboratory as part of a predisposition screen in an ostensibly healthy population. It had not been previously curated by ICSL or reported in the Human Gene Mutation Database (HGMD: prior to June 1st, 2018), and was therefore a candidate for classification through an automated scoring system. Utilizing variant allele frequency, disease prevalence and penetrance estimates, and inheritance mode, an automated score was calculated to assess if this variant is too frequent to cause the disease. Based on the score and internal cut-off values, a variant classified as likely benign is not then subjected to further curation. The score for this variant resulted in a classification of likely benign for this disease.